The following is an entry in ClinVar:

ClinVar aggregate classification (germline): Uncertain significance (0 of 4 stars; one submission).

Conditions:
NPHP4-related disorder. Also called: NPHP4-related condition; NPHP4-related disorders. Identifiers: MedGen CN239384.

gnomAD v4.1: 1 of 1,609,646 alleles (0.000062%); no homozygotes.

Submission:

PreventionGenetics, part of Exact Sciences
Classification: Uncertain significance for NPHP4-related condition. Last evaluated: 2024-07-03. Review status: no assertion criteria provided. Collection method: clinical testing. Allele origin: germline.
Comment: The NPHP4 c.547T>C variant is predicted to result in the amino acid substitution p.Cys183Arg. To our knowledge, this variant has not been reported in the literature or in a large population database, indicating this variant is rare. At this time, the clinical significance of this variant is uncertain due to the absence of conclusive functional and genetic evidence.

NM_015102.5(NPHP4):c.547T>C (p.Cys183Arg)

Gene: NPHP4 (nephrocystin 4; minus strand). Cytogenetic location: 1p36.31.
Variant type: single nucleotide variant.
Coding change: c.547T>C on transcript NM_015102.5 (MANE Select); coding-DNA position 547, T replaced by C.
Protein change: p.Cys183Arg; replaces cysteine 183 with arginine.
Molecular consequence: missense variant. On other transcripts: 5 prime UTR variant (2), non-coding transcript variant (1).
Genome position (GRCh38, 1-based): chr1:5,961,920, A>G on the plus strand (T>C on the coding strand, the complement: NPHP4 is on the minus strand). VCF-style: chr1-5961920-A-G. GRCh37 (hg19) VCF-style: chr1-6021980-A-G.
Other names: c.-683T>C (NM_001291593.2); c.-820T>C (NM_001291594.2); short protein forms C183R.
Identifiers: ClinVar variation 3348679 (VCV003348679.1).
Genomic context (GRCh38, chr1:5,961,920, plus strand): 5'-GAAGAAGGTGGAACGCAGGCTCCAGGGCCGGGTGTGGCTTCAGCGTGTACTGCAGGCTGC[A>G]GTTCTCAATGAGGGTCATGTGTCTGTTTTCTGGTGAAGAAAACACAATGTGATCAACTGA-3'
Protein context (NP_055917.1, residues 173-193): QNRHMTLIEN[Cys183Arg]SLQYTLKPHP